The following is an entry in ClinVar:

ClinVar aggregate classification (germline): Likely pathogenic (1 of 4 stars; one submission).

gnomAD v4.1: 1 of 1,535,544 alleles (0.000065%); highest among the groups gnomAD compares: Non-Finnish European, 0.000087%; no homozygotes.

Submission:

Labcorp Genetics (formerly Invitae), Labcorp
Classification: Likely pathogenic. Last evaluated: 2026-02-01. Review status: criteria provided, single submitter. Criteria: Invitae Variant Classification Sherloc (09022015). Collection method: clinical testing. Allele origin: germline.
Comment: This sequence change affects an acceptor splice site in intron 11 of the TCF3 gene. It is expected to disrupt RNA splicing. Variants that disrupt the donor or acceptor splice site typically lead to a loss of protein function (PMID: 16199547), and loss-of-function variants in TCF3 are known to be pathogenic (PMID: 24216514, 30063982, 37277074). This variant is not present in population databases (gnomAD no frequency). This variant has not been reported in the literature in individuals affected with TCF3-related conditions. Algorithms developed to predict the effect of sequence changes on RNA splicing suggest that this variant may disrupt the consensus splice site. In summary, the currently available evidence indicates that the variant is pathogenic, but additional data are needed to prove that conclusively. Therefore, this variant has been classified as Likely Pathogenic.

Literature cited by the submitters: PubMed 16199547; PubMed 24216514; PubMed 30063982; PubMed 37277074.

NM_003200.5(TCF3):c.956-2A>G

Gene: TCF3 (transcription factor 3; minus strand). Cytogenetic location: 19p13.3.
Variant type: single nucleotide variant.
Coding change: c.956-2A>G on transcript NM_003200.5 (MANE Select); the canonical splice acceptor site of the intron before coding-DNA position 956, A replaced by G.
Molecular consequence: splice acceptor variant.
Genome position (GRCh38, 1-based): chr19:1,621,193, T>C on the plus strand (A>G on the coding strand, the complement: TCF3 is on the minus strand). VCF-style: chr19-1621193-T-C. GRCh37 (hg19) VCF-style: chr19-1621192-T-C.
Other names: c.956-2A>G (NM_001351778.2, NM_001136139.4, NM_001351779.2).
Identifiers: ClinVar variation 4723940 (VCV004723940.1).